The following is an entry in ClinVar:

ClinVar aggregate classification (germline): Likely benign (0 of 4 stars; one submission).

Conditions:
PLXNA1-related disorder. Also called: PLXNA1-related condition.

gnomAD v4.1: 11 of 1,613,970 alleles (0.00068%); highest among the groups gnomAD compares: African/African-American, 0.004%; no homozygotes.

Submission:

PreventionGenetics, part of Exact Sciences
Classification: Likely benign for PLXNA1-related condition. Last evaluated: 2022-03-02. Review status: no assertion criteria provided. Collection method: clinical testing. Allele origin: germline.
Comment: This variant is classified as likely benign based on ACMG/AMP sequence variant interpretation guidelines (Richards et al. 2015 PMID: 25741868, with internal and published modifications).

NM_032242.4(PLXNA1):c.5196C>T (p.His1732=)

Gene: PLXNA1 (plexin A1; plus strand). Cytogenetic location: 3q21.3.
Variant type: single nucleotide variant.
Coding change: c.5196C>T on transcript NM_032242.4 (MANE Select); coding-DNA position 5196, C replaced by T.
Protein change: p.His1732=; no amino-acid change (histidine 1732 retained).
Molecular consequence: synonymous variant.
Genome position (GRCh38, 1-based): chr3:127,030,377, C>T. VCF-style: chr3-127030377-C-T. GRCh37 (hg19) VCF-style: chr3-126749220-C-T.
Identifiers: ClinVar variation 3355019 (VCV003355019.1).